The following is an entry in ClinVar:

ClinVar aggregate classification (germline): Uncertain significance. Review status: criteria provided, multiple submitters, no conflicts (2 of 4 stars). 3 submissions from 3 submitters: Uncertain significance (3). Last evaluated 2025-10-01.

Conditions:
Pleuropulmonary blastoma (PPB). Identifiers: Orphanet 64742, MedGen C1266144, MONDO:0011014, OMIM 601200, HP:0100528.
Global developmental delay - lung cysts - overgrowth - Wilms tumor syndrome. Also called: GLOBAL DEVELOPMENTAL DELAY, LUNG CYSTS, OVERGROWTH, AND WILMS TUMOR; GLOW Syndrome. Identifiers: Orphanet 404476, MedGen C4748924, MONDO:0018445, OMIM 618272.
Euthyroid goiter (MNG1). Also called: GOITER, NONTOXIC, WITH INTRATHYROIDAL CALCIFICATION; MULTINODULAR GOITER, ADOLESCENT; SIMPLE GOITER; Goiter, multinodular 1, with or without Sertoli-Leydig cell tumors. Identifiers: Orphanet 276399, MedGen C0302859, MONDO:0007681, OMIM 138800, HP:0009798.
Rhabdomyosarcoma, embryonal, 2 (RMSE2). Identifiers: MedGen C1867234, MONDO:0859046, OMIM 180295.
Hereditary cancer-predisposing syndrome. Also called: Neoplastic Syndromes, Hereditary; Hereditary Cancer Syndrome; Tumor predisposition; Hereditary neoplastic syndrome. Identifiers: Orphanet 140162, MedGen C0027672, MeSH D009386, MONDO:0015356.
DICER1-related tumor predisposition. Also called: DICER1 syndrome; DICER1-related pleuropulmonary blastoma cancer predisposition syndrome. Identifiers: Orphanet 284343, MedGen C3839822, MONDO:0100216.

Submissions (3):

Labcorp Genetics (formerly Invitae), Labcorp
Classification: Uncertain significance for DICER1-related tumor predisposition. Last evaluated: 2025-10-01. Review status: criteria provided, single submitter. Criteria: Invitae Variant Classification Sherloc (09022015). Collection method: clinical testing. Allele origin: germline.
Comment: This sequence change replaces alanine, which is neutral and non-polar, with valine, which is neutral and non-polar, at codon 1247 of the DICER1 protein (p.Ala1247Val). This variant is not present in population databases (gnomAD no frequency). This variant has not been reported in the literature in individuals affected with DICER1-related conditions. ClinVar contains an entry for this variant (Variation ID: 2566189). Invitae Evidence Modeling of protein sequence and biophysical properties (such as structural, functional, and spatial information, amino acid conservation, physicochemical variation, residue mobility, and thermodynamic stability) indicates that this missense variant is not expected to disrupt DICER1 protein function with a negative predictive value of 95%. In summary, the available evidence is currently insufficient to determine the role of this variant in disease. Therefore, it has been classified as a Variant of Uncertain Significance.

Ambry Genetics
Classification: Uncertain significance for Hereditary cancer-predisposing syndrome. Last evaluated: 2025-06-12. Review status: criteria provided, single submitter. Criteria: Ambry Variant Classification Scheme 2023. Collection method: clinical testing. Allele origin: germline.
Comment: The p.A1247V variant (also known as c.3740C>T), located in coding exon 20 of the DICER1 gene, results from a C to T substitution at nucleotide position 3740. The alanine at codon 1247 is replaced by valine, an amino acid with similar properties. This amino acid position is well conserved in available vertebrate species. In addition, this alteration is predicted to be tolerated by in silico analysis. Based on the available evidence, the clinical significance of this variant remains unclear.

Fulgent Genetics
Classification: Uncertain significance for Euthyroid goiter; Rhabdomyosarcoma, embryonal, 2; Pleuropulmonary blastoma; Global developmental delay - lung cysts - overgrowth - Wilms tumor syndrome. Last evaluated: 2024-02-06. Review status: criteria provided, single submitter. Criteria: ACMG Guidelines, 2015. Collection method: clinical testing. Allele origin: germline.

NM_177438.3(DICER1):c.3740C>T (p.Ala1247Val)

Gene: DICER1 (dicer 1, ribonuclease III; minus strand). Cytogenetic location: 14q32.13.
Variant type: single nucleotide variant.
Coding change: c.3740C>T on transcript NM_177438.3 (MANE Select); coding-DNA position 3740, C replaced by T.
Protein change: p.Ala1247Val; replaces alanine 1247 with valine.
Molecular consequence: missense variant. On other transcripts: non-coding transcript variant (6).
Genome position (GRCh38, 1-based): chr14:95,103,656, G>A on the plus strand (C>T on the coding strand, the complement: DICER1 is on the minus strand). VCF-style: chr14-95103656-G-A. GRCh37 (hg19) VCF-style: chr14-95569993-G-A.
Other names: c.2057C>T, p.Ala686Val (NM_001395697.1); c.3740C>T, p.Ala1247Val (NM_030621.4, NM_001195573.1, NM_001271282.3 and 13 more transcripts); c.3458C>T, p.Ala1153Val (NM_001395686.1); c.3335C>T, p.Ala1112Val (NM_001395687.1, NM_001395688.1, NM_001395689.1 and 2 more transcripts); c.3173C>T, p.Ala1058Val (NM_001395691.1); short protein forms A1247V, A1058V, A1112V, A1153V, A686V.
Identifiers: ClinVar variation 2566189 (VCV002566189.7), dbSNP rs2139960821, ClinGen allele CA390874204.
Genomic context (GRCh38, chr14:95,103,656, plus strand): 5'-GTGTCTGTCGTACCAGGCATTACGGCCATCACAGGACTTCCATCTGAGGTAGATTTGTTA[G>A]CATTTCCATCAAGGTATTTATTACTCAGGAGAGTACATTCATCGCTGGGCTGGGGCTGGT-3'
Protein context (NP_803187.1, residues 1237-1257): LLSNKYLDGN[Ala1247Val]NKSTSDGSPV